The following is an entry in ClinVar:

ClinVar aggregate classification (germline): Uncertain significance. Review status: criteria provided, multiple submitters, no conflicts (2 of 4 stars). 2 submissions from 2 submitters: Uncertain significance (2). Last evaluated 2025-04-08.

Allele frequency attached by ClinVar (database versions not stated): ExAC 0.00002; gnomAD 0.00007; TOPMed 0.00008; ESP Exome Variant Server 0.00015.
gnomAD v4.1: 20 of 1,613,992 alleles (0.0012%); highest among the groups gnomAD compares: African/African-American, 0.021%; no homozygotes.

Submissions (2):

Ambry Genetics
Classification: Uncertain significance. Last evaluated: 2025-04-08. Review status: criteria provided, single submitter. Criteria: Ambry Variant Classification Scheme 2023. Collection method: clinical testing. Allele origin: germline.

Labcorp Genetics (formerly Invitae), Labcorp
Classification: Uncertain significance. Last evaluated: 2023-12-22. Review status: criteria provided, single submitter. Criteria: Invitae Variant Classification Sherloc (09022015). Collection method: clinical testing. Allele origin: germline.
Comment: This sequence change replaces threonine, which is neutral and polar, with serine, which is neutral and polar, at codon 328 of the ROR1 protein (p.Thr328Ser). This variant is present in population databases (rs369927901, gnomAD 0.02%). This variant has not been reported in the literature in individuals affected with ROR1-related conditions. Advanced modeling of protein sequence and biophysical properties (such as structural, functional, and spatial information, amino acid conservation, physicochemical variation, residue mobility, and thermodynamic stability) performed at Invitae indicates that this missense variant is not expected to disrupt ROR1 protein function with a negative predictive value of 80%. In summary, the available evidence is currently insufficient to determine the role of this variant in disease. Therefore, it has been classified as a Variant of Uncertain Significance.

NM_005012.4(ROR1):c.983C>G (p.Thr328Ser)

Gene: ROR1 (receptor tyrosine kinase like orphan receptor 1; plus strand). Cytogenetic location: 1p31.3.
Variant type: single nucleotide variant.
Coding change: c.983C>G on transcript NM_005012.4 (MANE Select); coding-DNA position 983, C replaced by G.
Protein change: p.Thr328Ser; replaces threonine 328 with serine.
Molecular consequence: missense variant.
Genome position (GRCh38, 1-based): chr1:64,142,459, C>G. VCF-style: chr1-64142459-C-G. GRCh37 (hg19) VCF-style: chr1-64608142-C-G.
Other names: c.983C>G, p.Thr328Ser (NM_001083592.2); c.983C>G (NM_005012.2); short protein forms T328S.
Identifiers: ClinVar variation 3015487 (VCV003015487.4), dbSNP rs369927901, ClinGen allele CA890194.